The following is an entry in ClinVar:

NM_015443.4(KANSL1):c.-49CTCGGC[3]

Gene: KANSL1 (KAT8 regulatory NSL complex subunit 1). Cytogenetic location: 17q21.31.
Variant type: Microsatellite.
Coding change: c.-49CTCGGC[3] on transcript NM_015443.4 (MANE Select); three copies in a row of the 6-base unit CTCGGC starting at c.-49.
Molecular consequence: 5 prime UTR variant.
Genome position: GRCh38 VCF-style: chr17-46172180-T-TGCCGAG. GRCh37 (hg19) VCF-style: chr17-44249546-T-TGCCGAG.
Other names: c.-49CTCGGC[3] (NM_001193465.2, NM_001193466.2, NM_001379198.1).
Identifiers: ClinVar variation 205758 (VCV000205758.1), dbSNP rs769218713, ClinGen allele CA315143.

ClinVar aggregate classification (germline): Benign (1 of 4 stars; one submission).

Submission:

GeneDx
Classification: Benign. Last evaluated: 2014-12-16. Review status: criteria provided, single submitter. Criteria: GeneDx Variant Classification (06012015). Collection method: clinical testing. Allele origin: germline. Affected: yes.
Comment: The variant is found in EPILEPSY panel(s).